The following is an entry in ClinVar:

NM_003036.4(SKI):c.1945G>C (p.Val649Leu)

Gene: SKI (SKI proto-oncogene; plus strand). Cytogenetic location: 1p36.32.
Variant type: single nucleotide variant.
Coding change: c.1945G>C on transcript NM_003036.4 (MANE Select); coding-DNA position 1945, G replaced by C.
Protein change: p.Val649Leu; replaces valine 649 with leucine.
Molecular consequence: missense variant.
Genome position (GRCh38, 1-based): chr1:2,306,197, G>C. VCF-style: chr1-2306197-G-C. GRCh37 (hg19) VCF-style: chr1-2237636-G-C.
Other names: short protein forms V649L.
Identifiers: ClinVar variation 2430584 (VCV002430584.1), dbSNP rs1194917358, ClinGen allele CA337959182.

ClinVar aggregate classification (germline): Uncertain significance (1 of 4 stars; one submission).

gnomAD v4.1: 6 of 1,583,402 alleles (0.00038%); highest among the groups gnomAD compares: Non-Finnish European, 0.00043%; no homozygotes.

Submission:

GeneDx
Classification: Uncertain significance. Last evaluated: 2022-08-26. Review status: criteria provided, single submitter. Criteria: GeneDx Variant Classification Process June 2021. Collection method: clinical testing. Allele origin: germline. Affected: yes.
Comment: Has not been previously published as pathogenic or benign to our knowledge; In silico analysis supports that this missense variant does not alter protein structure/function